The following is an entry in ClinVar:

ClinVar aggregate classification (germline): Uncertain significance (1 of 4 stars; one submission).

gnomAD v4.1: 6 of 1,606,458 alleles (0.00037%); highest among the groups gnomAD compares: African/African-American, 0.0013%; no homozygotes.

Submission:

Labcorp Genetics (formerly Invitae), Labcorp
Classification: Uncertain significance. Last evaluated: 2025-04-17. Review status: criteria provided, single submitter. Criteria: Invitae Variant Classification Sherloc (09022015). Collection method: clinical testing. Allele origin: germline.
Comment: This sequence change replaces glutamic acid, which is acidic and polar, with lysine, which is basic and polar, at codon 458 of the SLC39A8 protein (p.Glu458Lys). This variant is not present in population databases (gnomAD no frequency). This variant has not been reported in the literature in individuals affected with SLC39A8-related conditions. An algorithm developed to predict the effect of missense changes on protein structure and function (PolyPhen-2) suggests that this variant is likely to be tolerated. In summary, the available evidence is currently insufficient to determine the role of this variant in disease. Therefore, it has been classified as a Variant of Uncertain Significance.

NM_001135146.2(SLC39A8):c.1372G>A (p.Glu458Lys)

Gene: SLC39A8 (solute carrier family 39 member 8; minus strand). Cytogenetic location: 4q24.
Variant type: single nucleotide variant.
Coding change: c.1372G>A on transcript NM_001135146.2 (MANE Select); coding-DNA position 1372, G replaced by A.
Protein change: p.Glu458Lys; replaces glutamic acid 458 with lysine.
Molecular consequence: missense variant. On other transcripts: intron variant (1).
Genome position (GRCh38, 1-based): chr4:102,263,055, C>T on the plus strand (G>A on the coding strand, the complement: SLC39A8 is on the minus strand). VCF-style: chr4-102263055-C-T. GRCh37 (hg19) VCF-style: chr4-103184212-C-T.
Other names: c.1171G>A, p.Glu391Lys (NM_001135148.2); c.1372G>A, p.Glu458Lys (NM_022154.5); c.1266+106G>A (NM_001135147.1); short protein forms E458K, E391K.
Identifiers: ClinVar variation 4768349 (VCV004768349.1).
Genomic context (GRCh38, chr4:102,263,055, plus strand): 5'-TTTTTATCTATTAAATGCCTTTATTAACAACACCATCTTCCATTTTCTATTACTCCAATT[C>T]GATTTCTCCTGCATACAAGGTAATGAGTAGAATGGCTGTGAATCCAGTTAACATTCCAGC-3'
Protein context (NP_001128618.1, residues 448-460): LLITLYAGEI[Glu458Lys]LE